The following is an entry in ClinVar:

ClinVar aggregate classification (germline): Likely pathogenic (1 of 4 stars; one submission).

Conditions:
Epidermolysis bullosa dystrophica. Also called: Dystrophic epidermolysis bullosa, Hallopeau-Siemens type (formerly); Dystrophic epidermolysis bullosa. Identifiers: Orphanet 303, MedGen C0079294, MONDO:0006543.

Submission:

Natera, Inc.
Classification: Likely pathogenic for Dystrophic epidermolysis bullosa. Last evaluated: 2025-10-09. Review status: criteria provided, single submitter. Criteria: Natera Variant Classification Schema (03/2026). Collection method: clinical testing. Allele origin: germline.
Comment: The c.7908_7909delinsA variant in COL7A1 is a frameshift variant predicted to shift the reading frame beginning at codon 2637 and leads to a stop codon 42 codons downstream. This variant is expected to result in nonsense mediated decay, truncation, or a dysfunctional protein product. This variant is rare in the general population with a frequency below the threshold expected for the associated phenotype(s). Given the available evidence, this variant is classified as Likely Pathogenic.

NM_000094.4(COL7A1):c.7908_7909delinsA (p.Asp2637fs)

Gene: COL7A1 (collagen type VII alpha 1 chain; minus strand). Cytogenetic location: 3p21.31.
Variant type: Indel.
Coding change: c.7908_7909delinsA on transcript NM_000094.4 (MANE Select); coding-DNA positions 7908 to 7909, TG replaced by A.
Protein change: p.Asp2637fs; shifts the reading frame from aspartic acid 2637.
Molecular consequence: frameshift variant.
Genome position (GRCh38, 1-based): chr3:48,567,858-48,567,859, CA replaced by T on the plus strand (TG replaced by A on the coding strand, the reverse complement: COL7A1 is on the minus strand). VCF-style: chr3-48567858-CA-T. GRCh37 (hg19) VCF-style: chr3-48605291-CA-T.
Other names: c.7908_7909delTGinsA, p.Asp2637Metfs (NM_000094.3); short protein forms D2637fs.
Identifiers: ClinVar variation 4817406 (VCV004817406.1).